The following is an entry in ClinVar:

NM_000222.3(KIT):c.2611C>T (p.Pro871Ser)

Gene: KIT (KIT proto-oncogene, receptor tyrosine kinase; plus strand). Cytogenetic location: 4q12.
Variant type: single nucleotide variant.
Coding change: c.2611C>T on transcript NM_000222.3 (MANE Select); coding-DNA position 2611, C replaced by T.
Protein change: p.Pro871Ser; replaces proline 871 with serine.
Molecular consequence: missense variant.
Genome position (GRCh38, 1-based): chr4:54,736,735, C>T. VCF-style: chr4-54736735-C-T. GRCh37 (hg19) VCF-style: chr4-55602901-C-T.
Other names: c.2599C>T, p.Pro867Ser (NM_001093772.2, NM_001385292.1); c.2614C>T, p.Pro872Ser (NM_001385284.1); c.2608C>T, p.Pro870Ser (NM_001385285.1); c.2596C>T, p.Pro866Ser (NM_001385286.1); c.2602C>T, p.Pro868Ser (NM_001385288.1); c.2611C>T, p.Pro871Ser (NM_001385290.1); short protein forms P866S, P867S, P868S, P870S, P871S, P872S.
Identifiers: ClinVar variation 1020756 (VCV001020756.16), dbSNP rs1722941120, ClinGen allele CA356913644.

ClinVar aggregate classification (germline): Uncertain significance (1 of 4 stars; one submission).

Conditions:
Gastrointestinal stromal tumor. Also called: Gastrointestinal stromal tumor, somatic; Gastrointestinal stroma tumor. Identifiers: Orphanet 44890, MedGen C0238198, MeSH D046152, MONDO:0011719, OMIM 606764, HP:0100723.

Submission:

Labcorp Genetics (formerly Invitae), Labcorp
Classification: Uncertain significance for Gastrointestinal stromal tumor. Last evaluated: 2020-01-31. Review status: criteria provided, single submitter. Criteria: Invitae Variant Classification Sherloc (09022015). Collection method: clinical testing. Allele origin: germline.
Comment: In summary, the available evidence is currently insufficient to determine the role of this variant in disease. Therefore, it has been classified as a Variant of Uncertain Significance. Algorithms developed to predict the effect of missense changes on protein structure and function (SIFT, PolyPhen-2, Align-GVGD) all suggest that this variant is likely to be disruptive, but these predictions have not been confirmed by published functional studies and their clinical significance is uncertain. This sequence change replaces proline with serine at codon 871 of the KIT protein (p.Pro871Ser). The proline residue is highly conserved and there is a moderate physicochemical difference between proline and serine. This variant is not present in population databases (ExAC no frequency). This variant has not been reported in the literature in individuals with KIT-related conditions.